The following is an entry in ClinVar:

ClinVar aggregate classification (germline): Uncertain significance. Review status: criteria provided, multiple submitters, no conflicts (2 of 4 stars). 2 submissions from 2 submitters: Uncertain significance (2). Last evaluated 2025-06-17.

Conditions:
Inborn genetic diseases. Identifiers: MedGen C0950123, MeSH D030342.

gnomAD v4.1: 19 of 1,614,152 alleles (0.0012%); highest among the groups gnomAD compares: South Asian, 0.0088%; no homozygotes.

Submissions (2):

Ambry Genetics
Classification: Uncertain significance for Inborn genetic diseases. Last evaluated: 2025-06-17. Review status: criteria provided, single submitter. Criteria: Ambry Variant Classification Scheme 2023. Collection method: clinical testing. Allele origin: germline.

Labcorp Genetics (formerly Invitae), Labcorp
Classification: Uncertain significance. Last evaluated: 2024-04-23. Review status: criteria provided, single submitter. Criteria: Invitae Variant Classification Sherloc (09022015). Collection method: clinical testing. Allele origin: germline.
Comment: This sequence change replaces isoleucine, which is neutral and non-polar, with methionine, which is neutral and non-polar, at codon 113 of the KLHL3 protein (p.Ile113Met). This variant is present in population databases (rs764364392, gnomAD 0.006%). This variant has not been reported in the literature in individuals affected with KLHL3-related conditions. Advanced modeling of protein sequence and biophysical properties (such as structural, functional, and spatial information, amino acid conservation, physicochemical variation, residue mobility, and thermodynamic stability) performed at Invitae indicates that this missense variant is not expected to disrupt KLHL3 protein function with a negative predictive value of 80%. In summary, the available evidence is currently insufficient to determine the role of this variant in disease. Therefore, it has been classified as a Variant of Uncertain Significance.

NM_017415.3(KLHL3):c.339C>G (p.Ile113Met)

Gene: KLHL3 (kelch like family member 3; minus strand). Cytogenetic location: 5q31.2.
Variant type: single nucleotide variant.
Coding change: c.339C>G on transcript NM_017415.3 (MANE Select); coding-DNA position 339, C replaced by G.
Protein change: p.Ile113Met; replaces isoleucine 113 with methionine.
Molecular consequence: missense variant.
Genome position (GRCh38, 1-based): chr5:137,698,311, G>C on the plus strand (C>G on the coding strand, the complement: KLHL3 is on the minus strand). VCF-style: chr5-137698311-G-C. GRCh37 (hg19) VCF-style: chr5-137034000-G-C.
Other names: c.339C>G (NM_017415.2); c.93C>G, p.Ile31Met (NM_001257195.2); c.243C>G, p.Ile81Met (NM_001257194.1); short protein forms I113M, I81M, I31M.
Identifiers: ClinVar variation 3704167 (VCV003704167.3).
Genomic context (GRCh38, chr5:137,698,311, plus strand): 5'-TGCAATACACTGAGCTATTAGTGAGCCTGAGTTTACCTGGACATTCTCTTCAGTCACCTC[G>C]ATTTCAGCAGTATAGATGTAGTCAATCAGCTTACTCAGCGTCTGCCCATCCACGTCCTTG-3'
Protein context (NP_059111.2, residues 103-123): KLIDYIYTAE[Ile113Met]EVTEENVQVL